The following is an entry in ClinVar:

NM_130384.3(ATRIP):c.316G>C (p.Val106Leu)

Genes: ATRIP (ATR interacting protein; plus strand), ATRIP-TREX1 (ATRIP-TREX1 readthrough; plus strand). Cytogenetic location: 3p21.31.
Variant type: single nucleotide variant.
Coding change: c.316G>C on transcript NM_130384.3 (MANE Select); coding-DNA position 316, G replaced by C.
Protein change: p.Val106Leu; replaces valine 106 with leucine.
Molecular consequence: missense variant. On other transcripts: non-coding transcript variant (1), 5 prime UTR variant (1).
Genome position (GRCh38, 1-based): chr3:48,450,105, G>C. VCF-style: chr3-48450105-G-C. GRCh37 (hg19) VCF-style: chr3-48491511-G-C.
Other names: c.-149G>C (NM_001271022.2); c.37G>C, p.Val13Leu (NM_001271023.2); c.316G>C, p.Val106Leu (NM_032166.4); short protein forms V106L, V13L.
Identifiers: ClinVar variation 3464831 (VCV003464831.1).

ClinVar aggregate classification (germline): Uncertain significance (1 of 4 stars; one submission).

gnomAD v4.1: 6 of 1,613,254 alleles (0.00037%); highest among the groups gnomAD compares: Non-Finnish European, 0.00051%; no homozygotes.

Submission:

Ambry Genetics
Classification: Uncertain significance. Last evaluated: 2024-12-01. Review status: criteria provided, single submitter. Criteria: Ambry Variant Classification Scheme 2023. Collection method: clinical testing. Allele origin: germline.
Comment: The p.V106L variant (also known as c.316G>C), located in coding exon 2 of the ATRIP gene, results from a G to C substitution at nucleotide position 316. The valine at codon 106 is replaced by leucine, an amino acid with highly similar properties. This amino acid position is conserved. In addition, this alteration is predicted to be tolerated by in silico analysis. Based on the available evidence, the clinical significance of this variant remains unclear.